The following is an entry in ClinVar:

NM_015338.6(ASXL1):c.3942T>G (p.Leu1314=)

Gene: ASXL1 (ASXL transcriptional regulator 1; plus strand). Cytogenetic location: 20q11.21.
Variant type: single nucleotide variant.
Coding change: c.3942T>G on transcript NM_015338.6 (MANE Select); coding-DNA position 3942, T replaced by G.
Protein change: p.Leu1314=; no amino-acid change (leucine 1314 retained).
Molecular consequence: synonymous variant.
Genome position (GRCh38, 1-based): chr20:32,436,654, T>G. VCF-style: chr20-32436654-T-G. GRCh37 (hg19) VCF-style: chr20-31024457-T-G.
Other names: c.3759T>G, p.Leu1253= (NM_001363734.1).
Identifiers: ClinVar variation 3955507 (VCV003955507.5).

ClinVar aggregate classification (germline): Likely benign. Review status: criteria provided, multiple submitters, no conflicts (2 of 4 stars). 2 submissions from 2 submitters: Likely benign (2). Last evaluated 2026-01-01.

Conditions:
Inborn genetic diseases. Identifiers: MedGen C0950123, MeSH D030342.

gnomAD v4.1: 5 of 1,614,040 alleles (0.00031%); highest among the groups gnomAD compares: Non-Finnish European, 0.00025%; no homozygotes.

Submissions (2):

CeGaT Center for Human Genetics Tuebingen
Classification: Likely benign. Last evaluated: 2026-01-01. Review status: criteria provided, single submitter. Criteria: CeGaT Center For Human Genetics Tuebingen Variant Classification Criteria Version 2. Collection method: clinical testing. Allele origin: germline. Affected: yes. Observed: 1 variant allele.
Comment: ASXL1: BP4, BP7

Ambry Genetics
Classification: Likely benign for Inborn genetic diseases. Last evaluated: 2025-03-30. Review status: criteria provided, single submitter. Criteria: Ambry Variant Classification Scheme 2023. Collection method: clinical testing. Allele origin: germline.